The following is an entry in ClinVar:

NM_024312.5(GNPTAB):c.1177C>G (p.His393Asp)

Gene: GNPTAB (N-acetylglucosamine-1-phosphate transferase subunits alpha and beta; minus strand). Cytogenetic location: 12q23.2.
Variant type: single nucleotide variant.
Coding change: c.1177C>G on transcript NM_024312.5 (MANE Select); coding-DNA position 1177, C replaced by G.
Protein change: p.His393Asp; replaces histidine 393 with aspartic acid.
Molecular consequence: missense variant.
Genome position (GRCh38, 1-based): chr12:101,770,128, G>C on the plus strand (C>G on the coding strand, the complement: GNPTAB is on the minus strand). VCF-style: chr12-101770128-G-C. GRCh37 (hg19) VCF-style: chr12-102163906-G-C.
Other names: short protein forms H393D.
Identifiers: ClinVar variation 4540354 (VCV004540354.1).
Genomic context (GRCh38, chr12:101,770,128, plus strand): 5'-TCCCAAACATGACATCATCATTTAGGTAAATAAACTTCTGGGACAGCCCTTCGATGCGAT[G>C]AATGTGACTTTCAATAGCAGGTGAACTAAAGGTAGGCAAGTGGCTCAAATTTCGAAAAAC-3'
Protein context (NP_077288.2, residues 383-403): FSSPAIESHI[His393Asp]RIEGLSQKFI

ClinVar aggregate classification (germline): Uncertain significance (1 of 4 stars; one submission).

gnomAD v4.1: 9 of 1,614,024 alleles (0.00056%); highest among the groups gnomAD compares: Non-Finnish European, 0.00076%; no homozygotes.

Submission:

GeneDx
Classification: Uncertain significance. Last evaluated: 2025-06-25. Review status: criteria provided, single submitter. Criteria: GeneDx Variant Classification Process June 2021. Collection method: clinical testing. Allele origin: germline. Affected: yes.
Comment: Not observed at significant frequency in large population cohorts (gnomAD); In silico analysis supports that this missense variant has a deleterious effect on protein structure/function; Has not been previously published as pathogenic or benign to our knowledge